The following is an entry in ClinVar:

ClinVar aggregate classification (germline): Uncertain significance. Review status: criteria provided, multiple submitters, no conflicts (2 of 4 stars). 2 submissions from 2 submitters: Uncertain significance (2). Last evaluated 2025-06-06.

gnomAD v4.1: 7 of 1,613,998 alleles (0.00043%); highest among the groups gnomAD compares: Non-Finnish European, 0.00051%; no homozygotes.

Submissions (2):

GeneDx
Classification: Uncertain significance. Last evaluated: 2025-06-06. Review status: criteria provided, single submitter. Criteria: GeneDx Variant Classification Process June 2021. Collection method: clinical testing. Allele origin: germline. Affected: yes.
Comment: Not observed at significant frequency in large population cohorts (gnomAD); In silico analysis supports that this missense variant has a deleterious effect on protein structure/function; Has not been previously published as pathogenic or benign to our knowledge

Labcorp Genetics (formerly Invitae), Labcorp
Classification: Uncertain significance. Last evaluated: 2021-09-15. Review status: criteria provided, single submitter. Criteria: Invitae Variant Classification Sherloc (09022015). Collection method: clinical testing. Allele origin: germline.
Comment: Algorithms developed to predict the effect of missense changes on protein structure and function (SIFT, PolyPhen-2, Align-GVGD) all suggest that this variant is likely to be disruptive. In summary, the available evidence is currently insufficient to determine the role of this variant in disease. Therefore, it has been classified as a Variant of Uncertain Significance. This variant has been observed in individual(s) with deafness (Invitae). In at least one individual the data is consistent with the variant being in trans (on the opposite chromosome) from a pathogenic variant. This variant is not present in population databases (ExAC no frequency). This sequence change replaces arginine with proline at codon 264 of the OTOF protein (p.Arg264Pro). The arginine residue is highly conserved and there is a moderate physicochemical difference between arginine and proline.

NM_194248.3(OTOF):c.791G>C (p.Arg264Pro)

Gene: OTOF (otoferlin; minus strand). Cytogenetic location: 2p23.3.
Variant type: single nucleotide variant.
Coding change: c.791G>C on transcript NM_194248.3 (MANE Select); coding-DNA position 791, G replaced by C.
Protein change: p.Arg264Pro; replaces arginine 264 with proline.
Molecular consequence: missense variant.
Genome position (GRCh38, 1-based): chr2:26,495,048, C>G on the plus strand (G>C on the coding strand, the complement: OTOF is on the minus strand). VCF-style: chr2-26495048-C-G. GRCh37 (hg19) VCF-style: chr2-26717916-C-G.
Other names: c.791G>C, p.Arg264Pro (NM_001287489.2); short protein forms R264P.
Identifiers: ClinVar variation 1449578 (VCV001449578.7), dbSNP rs370475628, ClinGen allele CA346138598.